The following is an entry in ClinVar:

NM_014639.4(SKIC3):c.2344C>G (p.Leu782Val)

Gene: SKIC3 (SKI3 subunit of superkiller complex; minus strand). Cytogenetic location: 5q15.
Variant type: single nucleotide variant.
Coding change: c.2344C>G on transcript NM_014639.4 (MANE Select); coding-DNA position 2344, C replaced by G.
Protein change: p.Leu782Val; replaces leucine 782 with valine.
Molecular consequence: missense variant.
Genome position (GRCh38, 1-based): chr5:95,517,008, G>C on the plus strand (C>G on the coding strand, the complement: SKIC3 is on the minus strand). VCF-style: chr5-95517008-G-C. GRCh37 (hg19) VCF-style: chr5-94852712-G-C.
Other names: short protein forms L782V.
Identifiers: ClinVar variation 1410028 (VCV001410028.3), dbSNP rs557596331, ClinGen allele CA3347104.

ClinVar aggregate classification (germline): Uncertain significance (1 of 4 stars; one submission).

Allele frequency attached by ClinVar (database versions not stated): gnomAD 0.00001 and 0.00003; gnomAD exomes 0.00001 and 0.00004; ExAC 0.00005; 1000 Genomes Project 30x 0.00016; 1000 Genomes Project 0.00020.
gnomAD v4.1: 23 of 1,613,504 alleles (0.0014%); highest among the groups gnomAD compares: South Asian, 0.025%; no homozygotes.

Submission:

Labcorp Genetics (formerly Invitae), Labcorp
Classification: Uncertain significance. Last evaluated: 2022-08-16. Review status: criteria provided, single submitter. Criteria: Invitae Variant Classification Sherloc (09022015). Collection method: clinical testing. Allele origin: germline.
Comment: This sequence change replaces leucine, which is neutral and non-polar, with valine, which is neutral and non-polar, at codon 782 of the TTC37 protein (p.Leu782Val). This variant is present in population databases (rs557596331, gnomAD 0.03%). This variant has not been reported in the literature in individuals affected with TTC37-related conditions. ClinVar contains an entry for this variant (Variation ID: 1410028). Algorithms developed to predict the effect of missense changes on protein structure and function are either unavailable or do not agree on the potential impact of this missense change (SIFT: "Deleterious"; PolyPhen-2: "Possibly Damaging"; Align-GVGD: "Class C0"). In summary, the available evidence is currently insufficient to determine the role of this variant in disease. Therefore, it has been classified as a Variant of Uncertain Significance.